The following is an entry in ClinVar:

NM_020911.2(PLXNA4):c.3828G>A (p.Met1276Ile)

Gene: PLXNA4 (plexin A4; minus strand). Cytogenetic location: 7q32.3.
Variant type: single nucleotide variant.
Coding change: c.3828G>A on transcript NM_020911.2 (MANE Select); coding-DNA position 3828, G replaced by A.
Protein change: p.Met1276Ile; replaces methionine 1276 with isoleucine.
Molecular consequence: missense variant.
Genome position (GRCh38, 1-based): chr7:132,179,733, C>T on the plus strand (G>A on the coding strand, the complement: PLXNA4 is on the minus strand). VCF-style: chr7-132179733-C-T. GRCh37 (hg19) VCF-style: chr7-131864492-C-T.
Other names: c.3828G>A, p.Met1276Ile (NM_001393897.1); short protein forms M1276I.
Identifiers: ClinVar variation 4988496 (VCV004988496.1).

ClinVar aggregate classification (germline): Uncertain significance (1 of 4 stars; one submission).

Conditions:
PLXNA4-related disorder. Also called: PLXNA4-related condition.

Submission:

PreventionGenetics, part of Exact Sciences
Classification: Uncertain significance for PLXNA4-related condition. Last evaluated: 2025-07-03. Review status: criteria provided, single submitter. Criteria: ACMG Guidelines, 2015. Collection method: clinical testing. Allele origin: germline.
Comment: The PLXNA4 c.3828G>A variant is predicted to result in the amino acid substitution p.Met1276Ile. To our knowledge, this variant has not been reported in the literature or in a large population database (gnomAD), indicating this variant is rare. At this time, the clinical significance of this variant is uncertain due to the absence of conclusive functional and genetic evidence.